The following is an entry in ClinVar:

NM_006206.6(PDGFRA):c.1232C>G (p.Thr411Ser)

Gene: PDGFRA (platelet derived growth factor receptor alpha; plus strand). Cytogenetic location: 4q12.
Variant type: single nucleotide variant.
Coding change: c.1232C>G on transcript NM_006206.6 (MANE Select); coding-DNA position 1232, C replaced by G.
Protein change: p.Thr411Ser; replaces threonine 411 with serine.
Molecular consequence: missense variant.
Genome position (GRCh38, 1-based): chr4:54,270,743, C>G. VCF-style: chr4-54270743-C-G. GRCh37 (hg19) VCF-style: chr4-55136910-C-G.
Other names: c.1232C>G, p.Thr411Ser (NM_001347827.2, NM_001347829.2); c.1307C>G, p.Thr436Ser (NM_001347828.2); c.1271C>G, p.Thr424Ser (NM_001347830.2); short protein forms T411S, T436S, T424S.
Identifiers: ClinVar variation 2839796 (VCV002839796.3), dbSNP rs2110280348, ClinGen allele CA356892113.

ClinVar aggregate classification (germline): Uncertain significance (1 of 4 stars; one submission).

Conditions:
Gastrointestinal stromal tumor. Also called: Gastrointestinal stromal tumor, somatic; Gastrointestinal stroma tumor. Identifiers: Orphanet 44890, MedGen C0238198, MeSH D046152, MONDO:0011719, OMIM 606764, HP:0100723.

Submission:

Labcorp Genetics (formerly Invitae), Labcorp
Classification: Uncertain significance for Gastrointestinal stromal tumor. Last evaluated: 2023-02-22. Review status: criteria provided, single submitter. Criteria: Invitae Variant Classification Sherloc (09022015). Collection method: clinical testing. Allele origin: germline.
Comment: This sequence change replaces threonine, which is neutral and polar, with serine, which is neutral and polar, at codon 411 of the PDGFRA protein (p.Thr411Ser). This variant is not present in population databases (gnomAD no frequency). In summary, the available evidence is currently insufficient to determine the role of this variant in disease. Therefore, it has been classified as a Variant of Uncertain Significance. Advanced modeling of protein sequence and biophysical properties (such as structural, functional, and spatial information, amino acid conservation, physicochemical variation, residue mobility, and thermodynamic stability) performed at Invitae indicates that this missense variant is not expected to disrupt PDGFRA protein function. This variant has not been reported in the literature in individuals affected with PDGFRA-related conditions.